The following is an entry in ClinVar:

ClinVar aggregate classification (germline): Uncertain significance (1 of 4 stars; one submission).

Conditions:
Sulfite oxidase deficiency due to molybdenum cofactor deficiency type C. Also called: Molybdenum cofactor deficiency, complementation group C; Molybdenum cofactor deficiency C. Identifiers: Orphanet 308400, Orphanet 833, MedGen C1854990, MONDO:0014212, OMIM 615501.

Submission:

Labcorp Genetics (formerly Invitae), Labcorp
Classification: Uncertain significance for Sulfite oxidase deficiency due to molybdenum cofactor deficiency type C. Last evaluated: 2026-01-26. Review status: criteria provided, single submitter. Criteria: Invitae Variant Classification Sherloc (09022015). Collection method: clinical testing. Allele origin: germline.
Comment: This sequence change falls in intron 22 of the GPHN gene. It does not directly change the encoded amino acid sequence of the GPHN protein. It affects a nucleotide within the consensus splice site. This variant is not present in population databases (gnomAD no frequency). This variant has not been reported in the literature in individuals affected with GPHN-related conditions. Variants that disrupt the consensus splice site are a relatively common cause of aberrant splicing (PMID: 17576681, 9536098). Algorithms developed to predict the effect of sequence changes on RNA splicing suggest that this variant is not likely to affect RNA splicing. In summary, the available evidence is currently insufficient to determine the role of this variant in disease. Therefore, it has been classified as a Variant of Uncertain Significance.

Literature cited by the submitters: PubMed 17576681; PubMed 9536098.

NM_020806.5(GPHN):c.2176+4A>G

Gene: GPHN (gephyrin; plus strand). Cytogenetic location: 14q23.3.
Variant type: single nucleotide variant.
Coding change: c.2176+4A>G on transcript NM_020806.5 (MANE Select); 4 bases into the intron after coding-DNA position 2176, A replaced by G.
Molecular consequence: intron variant.
Genome position (GRCh38, 1-based): chr14:67,179,678, A>G. VCF-style: chr14-67179678-A-G. GRCh37 (hg19) VCF-style: chr14-67646395-A-G.
Other names: c.2236+4A>G (NM_001377514.1); c.2116+4A>G (NM_001377519.1); c.2206+4A>G (NM_001377515.1); c.2197+4A>G (NM_001377516.1); c.2134+4A>G (NM_001377518.1); c.2149+4A>G (NM_001377517.1); c.2077+4A>G (NM_001024218.2).
Identifiers: ClinVar variation 4763716 (VCV004763716.1).